The following is an entry in ClinVar:

ClinVar aggregate classification (germline): Uncertain significance. Review status: criteria provided, multiple submitters, no conflicts (2 of 4 stars). 2 submissions from 2 submitters: Uncertain significance (2). Last evaluated 2025-03-23.

Allele frequency attached by ClinVar (database versions not stated): ExAC 0.00001; gnomAD 0.00001; gnomAD exomes 0.00001; TOPMed 0.00002; ESP Exome Variant Server 0.00008.
gnomAD v4.1: 19 of 1,613,386 alleles (0.0012%); highest among the groups gnomAD compares: African/African-American, 0.004%; no homozygotes.

Submissions (2):

Labcorp Genetics (formerly Invitae), Labcorp
Classification: Uncertain significance. Last evaluated: 2025-03-23. Review status: criteria provided, single submitter. Criteria: Invitae Variant Classification Sherloc (09022015). Collection method: clinical testing. Allele origin: germline.
Comment: This sequence change replaces threonine, which is neutral and polar, with methionine, which is neutral and non-polar, at codon 235 of the MDH2 protein (p.Thr235Met). This variant is present in population databases (rs368008244, gnomAD 0.007%). This variant has not been reported in the literature in individuals affected with MDH2-related conditions. ClinVar contains an entry for this variant (Variation ID: 1366854). Invitae Evidence Modeling of protein sequence and biophysical properties (such as structural, functional, and spatial information, amino acid conservation, physicochemical variation, residue mobility, and thermodynamic stability) indicates that this missense variant is expected to disrupt MDH2 protein function with a positive predictive value of 80%. In summary, the available evidence is currently insufficient to determine the role of this variant in disease. Therefore, it has been classified as a Variant of Uncertain Significance.

Blueprint Genetics
Classification: Uncertain significance. Last evaluated: 2020-09-18. Review status: criteria provided, single submitter. Criteria: ACMG Guidelines, 2015. Collection method: clinical testing. Allele origin: germline.

NM_005918.4(MDH2):c.704C>T (p.Thr235Met)

Gene: MDH2 (malate dehydrogenase 2; plus strand). Cytogenetic location: 7q11.23.
Variant type: single nucleotide variant.
Coding change: c.704C>T on transcript NM_005918.4 (MANE Select); coding-DNA position 704, C replaced by T.
Protein change: p.Thr235Met; replaces threonine 235 with methionine.
Molecular consequence: missense variant.
Genome position (GRCh38, 1-based): chr7:76,064,409, C>T. VCF-style: chr7-76064409-C-T. GRCh37 (hg19) VCF-style: chr7-75693727-C-T.
Other names: c.578C>T, p.Thr193Met (NM_001282403.2); c.383C>T, p.Thr128Met (NM_001282404.2); short protein forms T128M, T193M, T235M.
Identifiers: ClinVar variation 1366854 (VCV001366854.9), dbSNP rs368008244, ClinGen allele CA4305658.